The following is an entry in ClinVar:

ClinVar aggregate classification (germline): Uncertain significance (1 of 4 stars; one submission).

Conditions:
Inborn genetic diseases. Identifiers: MedGen C0950123, MeSH D030342.

Submission:

Ambry Genetics
Classification: Uncertain significance for Inborn genetic diseases. Last evaluated: 2022-03-10. Review status: criteria provided, single submitter. Criteria: Ambry Variant Classification Scheme 2023. Collection method: clinical testing. Allele origin: germline.
Comment: The c.761T>G (p.L254R) alteration is located in exon 5 (coding exon 4) of the PCK1 gene. This alteration results from a T to G substitution at nucleotide position 761, causing the leucine (L) at amino acid position 254 to be replaced by an arginine (R). Based on data from the Genome Aggregation Database (gnomAD), the PCK1 c.761T>G alteration was not observed, with coverage at this position. This amino acid position is highly conserved in available vertebrate species. The p.L254R alteration is predicted to be tolerated by in silico analysis. Based on insufficient or conflicting evidence, the clinical significance of this alteration remains unclear.

NM_002591.4(PCK1):c.761T>G (p.Leu254Arg)

Gene: PCK1 (phosphoenolpyruvate carboxykinase 1; plus strand). Cytogenetic location: 20q13.31.
Variant type: single nucleotide variant.
Coding change: c.761T>G on transcript NM_002591.4 (MANE Select); coding-DNA position 761, T replaced by G.
Protein change: p.Leu254Arg; replaces leucine 254 with arginine.
Molecular consequence: missense variant.
Genome position (GRCh38, 1-based): chr20:57,563,178, T>G. VCF-style: chr20-57563178-T-G. GRCh37 (hg19) VCF-style: chr20-56138234-T-G.
Other names: short protein forms L254R.
Identifiers: ClinVar variation 2405689 (VCV002405689.2), dbSNP rs2515809452, ClinGen allele CA409435669.